The following is an entry in ClinVar:

NM_001127208.3(TET2):c.1523T>A (p.Met508Lys)

Genes: TET2 (tet methylcytosine dioxygenase 2; plus strand), TET2-AS1 (TET2 antisense RNA 1; minus strand). Cytogenetic location: 4q24.
Variant type: single nucleotide variant.
Coding change: c.1523T>A on transcript NM_001127208.3 (MANE Select); coding-DNA position 1523, T replaced by A.
Protein change: p.Met508Lys; replaces methionine 508 with lysine.
Molecular consequence: missense variant.
Genome position (GRCh38, 1-based): chr4:105,235,465, T>A. VCF-style: chr4-105235465-T-A. GRCh37 (hg19) VCF-style: chr4-106156622-T-A.
Other names: c.1523T>A, p.Met508Lys (NM_017628.4); short protein forms M508K.
Identifiers: ClinVar variation 3455403 (VCV003455403.2).

ClinVar aggregate classification (germline): Uncertain significance (1 of 4 stars; one submission).

gnomAD v4.1: 10 of 1,614,006 alleles (0.00062%); highest among the groups gnomAD compares: African/African-American, 0.0093%; no homozygotes.

Submission:

Ambry Genetics
Classification: Uncertain significance. Last evaluated: 2025-03-26. Review status: criteria provided, single submitter. Criteria: Ambry Variant Classification Scheme 2023. Collection method: clinical testing. Allele origin: germline.
Comment: The p.M508K variant (also known as c.1523T>A), located in coding exon 1 of the TET2 gene, results from a T to A substitution at nucleotide position 1523. The methionine at codon 508 is replaced by lysine, an amino acid with similar properties. This amino acid position is conserved. In addition, this alteration is predicted to be tolerated by in silico analysis. Based on the available evidence, the clinical significance of this variant remains unclear.